The following is an entry in ClinVar:

ClinVar aggregate classification (germline): Uncertain significance (1 of 4 stars; one submission).

Conditions:
Familial cancer of breast. Also called: hereditary breast carcinoma; Hereditary breast cancer; BREAST CANCER, FAMILIAL. Identifiers: Orphanet 227535, MedGen C0346153, MONDO:0016419, OMIM 114480. Disease mechanism: loss of function.

Allele frequency attached by ClinVar (database versions not stated): gnomAD exomes below 0.00001.

Submission:

Labcorp Genetics (formerly Invitae), Labcorp
Classification: Uncertain significance for Familial cancer of breast. Last evaluated: 2023-05-19. Review status: criteria provided, single submitter. Criteria: Invitae Variant Classification Sherloc (09022015). Collection method: clinical testing. Allele origin: germline.
Comment: Variants that disrupt the consensus splice site are a relatively common cause of aberrant splicing (PMID: 17576681, 9536098). Algorithms developed to predict the effect of sequence changes on RNA splicing suggest that this variant may disrupt the consensus splice site. In summary, the available evidence is currently insufficient to determine the role of this variant in disease. Therefore, it has been classified as a Variant of Uncertain Significance. This variant has not been reported in the literature in individuals affected with PALB2-related conditions. This variant is not present in population databases (gnomAD no frequency). This sequence change affects codon 916 of the PALB2 mRNA. It is a 'silent' change, meaning that it does not change the encoded amino acid sequence of the PALB2 protein. This variant also falls at the last nucleotide of exon 7, which is part of the consensus splice site for this exon.

Literature cited by the submitters: PubMed 17576681; PubMed 9536098.

NM_024675.4(PALB2):c.2748G>A (p.Glu916=)

Gene: PALB2 (partner and localizer of BRCA2; minus strand). Cytogenetic location: 16p12.2.
Variant type: single nucleotide variant.
Coding change: c.2748G>A on transcript NM_024675.4 (MANE Select); coding-DNA position 2748, G replaced by A.
Protein change: p.Glu916=; no amino-acid change (glutamic acid 916 retained).
Molecular consequence: synonymous variant. On other transcripts: intron variant (3).
Genome position (GRCh38, 1-based): chr16:23,626,236, C>T on the plus strand (G>A on the coding strand, the complement: PALB2 is on the minus strand). VCF-style: chr16-23626236-C-T. GRCh37 (hg19) VCF-style: chr16-23637557-C-T.
Other names: c.2688G>A, p.Glu896= (NM_001407296.1); c.2676G>A, p.Glu892= (NM_001407297.1); c.2748G>A, p.Glu916= (NM_001407299.1, NM_001407300.1, NM_001407301.1); c.1863G>A, p.Glu621= (NM_001407304.1, NM_001407305.1, NM_001407306.1 and 4 more transcripts); c.960G>A, p.Glu320= (NM_001407312.1, NM_001407313.1); c.282G>A, p.Glu94= (NM_001407314.1); c.2587-2142G>A (NM_001407302.1, NM_001407298.1); c.1702-2142G>A (NM_001407307.1).
Identifiers: ClinVar variation 2865529 (VCV002865529.3), dbSNP rs2142352915, ClinGen allele CA494161164.